The following is an entry in ClinVar:

NM_144631.6(ZNF513):c.529C>T (p.Pro177Ser)

Gene: ZNF513 (zinc finger protein 513; minus strand). Cytogenetic location: 2p23.3.
Variant type: single nucleotide variant.
Coding change: c.529C>T on transcript NM_144631.6 (MANE Select); coding-DNA position 529, C replaced by T.
Protein change: p.Pro177Ser; replaces proline 177 with serine.
Molecular consequence: missense variant.
Genome position (GRCh38, 1-based): chr2:27,378,737, G>A on the plus strand (C>T on the coding strand, the complement: ZNF513 is on the minus strand). VCF-style: chr2-27378737-G-A. GRCh37 (hg19) VCF-style: chr2-27601604-G-A.
Other names: c.343C>T, p.Pro115Ser (NM_001201459.2); short protein forms P177S, P115S.
Identifiers: ClinVar variation 1475461 (VCV001475461.8), dbSNP rs1683474761, ClinGen allele CA346218186.

ClinVar aggregate classification (germline): Uncertain significance (1 of 4 stars; one submission).

Allele frequency attached by ClinVar (database versions not stated): gnomAD 0.00001.
gnomAD v4.1: 1 of 1,613,910 alleles (0.000062%); highest among the groups gnomAD compares: African/African-American, 0.0013%; no homozygotes.

Submission:

Labcorp Genetics (formerly Invitae), Labcorp
Classification: Uncertain significance. Last evaluated: 2022-03-01. Review status: criteria provided, single submitter. Criteria: Invitae Variant Classification Sherloc (09022015). Collection method: clinical testing. Allele origin: germline.
Comment: In summary, the available evidence is currently insufficient to determine the role of this variant in disease. Therefore, it has been classified as a Variant of Uncertain Significance. Algorithms developed to predict the effect of missense changes on protein structure and function (SIFT, PolyPhen-2, Align-GVGD) all suggest that this variant is likely to be disruptive. This variant has not been reported in the literature in individuals affected with ZNF513-related conditions. This variant is not present in population databases (gnomAD no frequency). This sequence change replaces proline, which is neutral and non-polar, with serine, which is neutral and polar, at codon 177 of the ZNF513 protein (p.Pro177Ser).